The following is an entry in ClinVar:

ClinVar aggregate classification (germline): Uncertain significance. Review status: criteria provided, multiple submitters, no conflicts (2 of 4 stars). 2 submissions from 2 submitters: Uncertain significance (2). Last evaluated 2024-10-02.

Conditions:
Autosomal dominant polycystic kidney disease. Identifiers: Orphanet 730, MedGen C0085413, MONDO:0004691.

Allele frequency attached by ClinVar (database versions not stated): ExAC 0.00001; gnomAD 0.00001; TOPMed 0.00001; gnomAD exomes 0.00002.
gnomAD v4.1: 24 of 1,613,508 alleles (0.0015%); highest among the groups gnomAD compares: Non-Finnish European, 0.002%; no homozygotes.

Submissions (2):

Labcorp Genetics (formerly Invitae), Labcorp
Classification: Uncertain significance for Autosomal dominant polycystic kidney disease. Last evaluated: 2024-10-02. Review status: criteria provided, single submitter. Criteria: Invitae Variant Classification Sherloc (09022015). Collection method: clinical testing. Allele origin: germline.
Comment: This sequence change replaces glutamine, which is neutral and polar, with glutamic acid, which is acidic and polar, at codon 768 of the PKD2 protein (p.Gln768Glu). This variant is present in population databases (rs780728246, gnomAD 0.004%). This variant has not been reported in the literature in individuals affected with PKD2-related conditions. Invitae Evidence Modeling of protein sequence and biophysical properties (such as structural, functional, and spatial information, amino acid conservation, physicochemical variation, residue mobility, and thermodynamic stability) indicates that this missense variant is not expected to disrupt PKD2 protein function with a negative predictive value of 80%. In summary, the available evidence is currently insufficient to determine the role of this variant in disease. Therefore, it has been classified as a Variant of Uncertain Significance.

Mayo Clinic Laboratories, Mayo Clinic
Classification: Uncertain significance. Last evaluated: 2023-02-07. Review status: criteria provided, single submitter. Criteria: ACMG Guidelines, 2015. Collection method: clinical testing. Allele origin: germline. Observed: 1 variant allele.
Comment: BP4

NM_000297.4(PKD2):c.2302C>G (p.Gln768Glu)

Gene: PKD2 (polycystin 2, transient receptor potential cation channel; plus strand). Cytogenetic location: 4q22.1.
Variant type: single nucleotide variant.
Coding change: c.2302C>G on transcript NM_000297.4 (MANE Select); coding-DNA position 2302, C replaced by G.
Protein change: p.Gln768Glu; replaces glutamine 768 with glutamic acid.
Molecular consequence: missense variant. On other transcripts: non-coding transcript variant (1).
Genome position (GRCh38, 1-based): chr4:88,065,823, C>G. VCF-style: chr4-88065823-C-G. GRCh37 (hg19) VCF-style: chr4-88986975-C-G.
Other names: p.Gln768Glu; short protein forms Q768E.
Identifiers: ClinVar variation 2682864 (VCV002682864.3), dbSNP rs780728246, ClinGen allele CA3004201.